The following is an entry in ClinVar:

ClinVar aggregate classification (germline): Pathogenic (1 of 4 stars; one submission).

Conditions:
Joubert syndrome. Also called: CEREBELLOPARENCHYMAL DISORDER IV; JOUBERT-BOLTSHAUSER SYNDROME; Familial aplasia of the vermis. Identifiers: Orphanet 475, MedGen C5979921, MONDO:0018772.
Nephronophthisis. Also called: Juvenile Nephronophthisis. Identifiers: Orphanet 655, MedGen C0687120, MONDO:0019005, HP:0000090.
Meckel-Gruber syndrome. Also called: DYSENCEPHALIA SPLANCHNOCYSTICA; GRUBER SYNDROME; Dysencephalia splachnocystica. Identifiers: Orphanet 564, MedGen C0265215, MONDO:0018921.

Submission:

Labcorp Genetics (formerly Invitae), Labcorp
Classification: Pathogenic for Joubert syndrome; Meckel-Gruber syndrome; Nephronophthisis. Last evaluated: 2023-02-21. Review status: criteria provided, single submitter. Criteria: Invitae Variant Classification Sherloc (09022015). Collection method: clinical testing. Allele origin: germline.
Comment: For these reasons, this variant has been classified as Pathogenic. Algorithms developed to predict the effect of sequence changes on RNA splicing suggest that this variant may disrupt the consensus splice site. Disruption of this splice site has been observed in individual(s) with clinical features of Joubert syndrome and related disorders (PMID: 25097241, 32619255). In at least one individual the data is consistent with being in trans (on the opposite chromosome) from a pathogenic variant. This variant is not present in population databases (gnomAD no frequency). This sequence change affects an acceptor splice site in intron 24 of the CEP290 gene. It is expected to disrupt RNA splicing. Variants that disrupt the donor or acceptor splice site typically lead to a loss of protein function (PMID: 16199547), and loss-of-function variants in CEP290 are known to be pathogenic (PMID: 16909394, 17345604, 20690115).

Literature cited by the submitters: PubMed 25097241; PubMed 32619255; PubMed 16199547; PubMed 16909394; PubMed 17345604; PubMed 20690115.

NM_025114.4(CEP290):c.2587-1G>A

Gene: CEP290 (centrosomal protein 290; minus strand). Cytogenetic location: 12q21.32.
Variant type: single nucleotide variant.
Coding change: c.2587-1G>A on transcript NM_025114.4 (MANE Select); the canonical splice acceptor site of the intron before coding-DNA position 2587, G replaced by A.
Molecular consequence: splice acceptor variant.
Genome position (GRCh38, 1-based): chr12:88,106,906, C>T on the plus strand (G>A on the coding strand, the complement: CEP290 is on the minus strand). VCF-style: chr12-88106906-C-T. GRCh37 (hg19) VCF-style: chr12-88500683-C-T.
Identifiers: ClinVar variation 2944573 (VCV002944573.3), dbSNP rs1247861318, ClinGen allele CA385971666.